The following is an entry in ClinVar:

ClinVar aggregate classification (germline): Benign/Likely benign. Review status: criteria provided, multiple submitters, no conflicts (2 of 4 stars). 3 submissions from 3 submitters: Benign (2); Likely benign (1). Last evaluated 2024-07-03.

Conditions:
Schnyder crystalline corneal dystrophy (SCCD). Also called: Schnyder corneal dystrophy; Crystalline corneal dystrophy. Identifiers: Orphanet 98967, MedGen C0271287, MONDO:0007374, OMIM 121800.

Allele frequency attached by ClinVar (database versions not stated): gnomAD 0.00004; gnomAD exomes 0.00004 and 0.00005; ExAC 0.00006; TOPMed 0.00006; ESP Exome Variant Server 0.00008; 1000 Genomes Project 30x 0.00016; 1000 Genomes Project 0.00020.
gnomAD v4.1: 90 of 1,614,254 alleles (0.0056%); highest among the groups gnomAD compares: Middle Eastern, 0.033%; no homozygotes.

Submissions (3):

Blueprint Genetics
Classification: Likely benign. Last evaluated: 2024-07-03. Review status: criteria provided, single submitter. Criteria: ACMG Guidelines, 2015. Collection method: clinical testing. Allele origin: germline.

Illumina Laboratory Services, Illumina
Classification: Benign for Schnyder crystalline corneal dystrophy. Last evaluated: 2018-01-13. Review status: criteria provided, single submitter. Criteria: ICSL Variant Classification Criteria 13 December 2019. Collection method: clinical testing. Allele origin: germline.
Comment: This variant was observed in the ICSL laboratory as part of a predisposition screen in an ostensibly healthy population. It had not been previously curated by ICSL or reported in the Human Gene Mutation Database (HGMD: prior to June 1st, 2018), and was therefore a candidate for classification through an automated scoring system. Utilizing variant allele frequency, disease prevalence and penetrance estimates, and inheritance mode, an automated score was calculated to assess if this variant is too frequent to cause the disease. Based on the score and internal cut-off values, a variant classified as benign is not then subjected to further curation. The score for this variant resulted in a classification of benign for this disease.

Breakthrough Genomics
Classification: Benign. Review status: criteria provided, single submitter. Criteria: ACMG Guidelines, 2015. Collection method: not provided. Allele origin: germline. Inheritance: Autosomal dominant inheritance. Affected: yes.

NM_013319.3(UBIAD1):c.417C>T (p.Tyr139=)

Gene: UBIAD1 (UbiA prenyltransferase domain containing 1; plus strand). Cytogenetic location: 1p36.22.
Variant type: single nucleotide variant.
Coding change: c.417C>T on transcript NM_013319.3 (MANE Select); coding-DNA position 417, C replaced by T.
Protein change: p.Tyr139=; no amino-acid change (tyrosine 139 retained).
Molecular consequence: synonymous variant.
Genome position (GRCh38, 1-based): chr1:11,273,948, C>T. VCF-style: chr1-11273948-C-T. GRCh37 (hg19) VCF-style: chr1-11334005-C-T.
Other names: c.417C>T, p.Tyr139= (NM_001330349.2, NM_001330350.2).
Identifiers: ClinVar variation 291824 (VCV000291824.7), dbSNP rs377764711, ClinGen allele CA591140.